The following is an entry in ClinVar:

ClinVar aggregate classification (germline): Pathogenic (0 of 4 stars; one submission).

Conditions:
Pyruvate dehydrogenase E1-alpha deficiency (PDHAD). Also called: ATAXIA, INTERMITTENT, WITH PYRUVATE DEHYDROGENASE DEFICIENCY; ATAXIA WITH LACTIC ACIDOSIS I; ATAXIA, INTERMITTENT, WITH ABNORMAL PYRUVATE METABOLISM; Ataxia, intermittent, with pyruvate dehydrogenase, or decarboxylase, deficiency. Identifiers: Orphanet 79243, MedGen C1839413, MONDO:0010717, OMIM 312170.

Submission:

PDHA1 Study Group, University Children’s Hospital, Paracelsus Medical University
Classification: Pathogenic for Pyruvate dehydrogenase E1-alpha deficiency. Last evaluated: 2024-10-15. Review status: no assertion criteria provided. Collection method: research. Allele origin: de novo. Affected: yes. Observed: 1 variant allele.
Comment: The NM_000284.3:c.1147_1158dup (p.Trp383_Phe386dup) change is a deletion-insertion (delins) variant in PDHA1 gene. Among them, 1 case had confirmed de novo occurrence. The variant has been reported in 1 published case (PMIDs: 10486093). Last literature search: July 12, 2024. This variant is absent or extremely rare in population-based cohorts in the Genome Aggregation Database (gnomAD). Individuals harboring this variant presented with clinical features compatible with PDHA1-related PDHc deficiency. In summary, this variant meets criteria to be classified as pathogenic (P) for PDHA1-related PDHc deficiency based on the ACMG/AMP criteria applied: PS3, PM1, PM2, PM7, PP3 (last assessment October 15, 2024).

Literature cited by the submitters: PubMed 10486093; DOI 10.1093/brain/awaf430.

NM_000284.4(PDHA1):c.1147_1158dup (p.Phe386_Lys387insTrpIleLysPhe)

Gene: PDHA1 (pyruvate dehydrogenase E1 subunit alpha 1; plus strand). Cytogenetic location: Xp22.12.
Variant type: Duplication.
Coding change: c.1147_1158dup on transcript NM_000284.4 (MANE Select); coding-DNA positions 1147 to 1158, 12 bases duplicated (TGGATCAAGTTT).
Protein change: p.Phe386_Lys387insTrpIleLysPhe.
Molecular consequence: inframe insertion.
Genome position (GRCh38, 1-based): chrX:19,359,627-19,359,638, TGGATCAAGTTT duplicated. VCF-style (leftmost placement, unchanged base first): chrX-19359626-G-GTGGATCAAGTTT. GRCh37 (hg19) VCF-style: chrX-19377744-G-GTGGATCAAGTTT.
Other names: c.1261_1272dup, p.Phe424_Lys425insTrpIleLysPhe (NM_001173454.2); c.1168_1179dup, p.Phe393_Lys394insTrpIleLysPhe (NM_001173455.2); c.1054_1065dup, p.Phe355_Lys356insTrpIleLysPhe (NM_001173456.2).
Identifiers: ClinVar variation 4070476 (VCV004070476.1).
Genomic context (GRCh38, chrX:19,359,626, plus strand): 5'-AGAGCTGGGCTACCACATCTACTCCAGCGACCCACCTTTTGAAGTTCGTGGTGCCAATCA[G>GTGGATCAAGTTT]TGGATCAAGTTTAAGTCAGTCAGTTAAGGGGAGGAGAAGGAGAGGTTATACCTTCAGGGG-3'